The following is an entry in ClinVar:

NM_001267550.2(TTN):c.1938+1G>T

Gene: TTN (titin; minus strand). Cytogenetic location: 2q31.2.
Variant type: single nucleotide variant.
Coding change: c.1938+1G>T on transcript NM_001267550.2 (MANE Select); the canonical splice donor site of the intron after coding-DNA position 1938, G replaced by T.
Molecular consequence: splice donor variant.
Genome position (GRCh38, 1-based): chr2:178,789,977, C>A on the plus strand (G>T on the coding strand, the complement: TTN is on the minus strand). VCF-style: chr2-178789977-C-A. GRCh37 (hg19) VCF-style: chr2-179654704-C-A.
Other names: c.1800+1G>T (NM_003319.4, NM_133437.4, NM_133432.3); c.1938+1G>T (NM_133378.4, NM_001256850.1, NM_133379.5).
Identifiers: ClinVar variation 466867 (VCV000466867.12), dbSNP rs774414270, ClinGen allele CA2005939.

ClinVar aggregate classification (germline): Conflicting classifications of pathogenicity. Review status: criteria provided, conflicting classifications (1 of 4 stars). 3 submissions from 3 submitters: Likely pathogenic (1); Uncertain significance (2). Last evaluated 2026-07-02.

Conditions:
Cardiovascular phenotype. Identifiers: MedGen CN230736.
Autosomal recessive limb-girdle muscular dystrophy type 2J (LGMDR10). Also called: Limb-girdle muscular dystrophy, type 2J; MUSCULAR DYSTROPHY, LIMB-GIRDLE, AUTOSOMAL RECESSIVE 10. Identifiers: Orphanet 140922, MedGen C1837342, MONDO:0012127, OMIM 608807.
Dilated cardiomyopathy 1G (CMD1G). Identifiers: Orphanet 154, MedGen C1858763, MONDO:0011400, OMIM 604145.

Allele frequency attached by ClinVar (database versions not stated): gnomAD exomes below 0.00001; ExAC 0.00001.
gnomAD v4.1: 1 of 1,612,782 alleles (0.000062%); highest among the groups gnomAD compares: South Asian, 0.0011%; no homozygotes.

Submissions (3):

Ambry Genetics
Classification: Uncertain significance for Cardiovascular phenotype. Last evaluated: 2026-07-02. Review status: criteria provided, single submitter. Criteria: Ambry Variant Classification Scheme 2023. Collection method: clinical testing. Allele origin: germline.
Comment: The c.1800+1G>T intronic variant results from a G to T substitution one nucleotide after coding exon 10 of the TTN gene. Coding exon 10 is located in the Z-disk region of the N2-B isoform of the titin protein and is not constitutively expressed in TTN transcripts (percent spliced in or PSI 79%). This nucleotide position is highly conserved in available vertebrate species. In silico splice site analysis predicts that this alteration will weaken the native splice donor site. This alteration disrupts the canonical splice site and is expected to cause aberrant splicing. However, although direct evidence is unavailable, this alteration is predicted to result in an in-frame transcript that is not expected to trigger nonsense-mediated mRNA decay. The exact functional effect of the predicted splice impact is unknown. Based on the available evidence, the clinical significance of this variant remains unclear.

Labcorp Genetics (formerly Invitae), Labcorp
Classification: Likely pathogenic for Dilated cardiomyopathy 1G; Autosomal recessive limb-girdle muscular dystrophy type 2J. Last evaluated: 2024-11-04. Review status: criteria provided, single submitter. Criteria: Invitae Variant Classification Sherloc (09022015). Collection method: clinical testing. Allele origin: germline.
Comment: This sequence change affects a donor splice site in intron 12 of the TTN gene. It is expected to disrupt RNA splicing and likely results in a truncated or disrupted TTN protein. This variant is not present in population databases (gnomAD no frequency). This variant has not been observed in the literature in individuals with autosomal recessive TTN-related conditions. This variant has been reported in individual(s) with autosomal dominant dilated cardiomyopathy (internal data); however, the role of the variant in this condition is currently unclear. ClinVar contains an entry for this variant (Variation ID: 466867). Algorithms developed to predict the effect of sequence changes on RNA splicing suggest that this variant may disrupt the consensus splice site. This variant is located in the Z band of TTN (PMID: 25589632). Truncating variants in this region have been reported in individuals affected with autosomal recessive centronuclear myopathy (PMID: 33449170, internal data). Truncating variants in this region have also been identified in individuals affected with autosomal dominant dilated cardiomyopathy and/or cardio-related conditions (PMID: 27869827, 32964742, internal data). In summary, the currently available evidence indicates that the variant is pathogenic, but additional data are needed to prove that conclusively. Therefore, this variant has been classified as Likely Pathogenic.

Laboratory for Molecular Medicine, Mass General Brigham Personalized Medicine
Classification: Uncertain significance. Last evaluated: 2023-12-01. Review status: criteria provided, single submitter. Criteria: ACMG Guidelines, 2015. Collection method: clinical testing. Allele origin: germline.
Comment: The c.1938+1G>T variant in TTN has not been previously reported in individuals with cardiomyopathy and was absent from large population studies. This variant has also been reported in ClinVar (Variation ID 466867). This variant occurs within the canonical splice site (+1) and is predicted to cause altered splicing leading to an abnormal or absent protein. This variant is predicted to cause in-frame exon skipping of exon 12 (less than 10% of the protein), which has a 79% PSI. In summary, the clinical significance of this variant is uncertain. ACMG/AMP Criteria applied: PVS1_Moderate, PM2_Supporting.

Literature cited by the submitters: PubMed 25589632 (cited by Labcorp Genetics (formerly Invitae), Labcorp); PubMed 33449170 (cited by Labcorp Genetics (formerly Invitae), Labcorp); PubMed 27869827 (cited by Labcorp Genetics (formerly Invitae), Labcorp); PubMed 32964742 (cited by Labcorp Genetics (formerly Invitae), Labcorp).